The following is an entry in ClinVar:

ClinVar aggregate classification (germline): Benign. Review status: criteria provided, multiple submitters, no conflicts (2 of 4 stars). 11 submissions from 10 submitters: Benign (9). 2 of the submissions do not count toward it. Last evaluated 2026-02-04.

Conditions:
Glucocorticoid-remediable aldosteronism. Also called: Hyperaldosteronism, familial, type I; FH I; GLUCOCORTICOID-SUPPRESSIBLE HYPERALDOSTERONISM; ACTH-DEPENDENT HYPERALDOSTERONISM SYNDROME; ALDOSTERONISM, SENSITIVE TO DEXAMETHASONE. Identifiers: Orphanet 403, MedGen C3838731, MONDO:0007080, OMIM 103900.
Deficiency of steroid 11-beta-monooxygenase (CYP11B1). Also called: Congenital adrenal hyperplasia due to 11-beta-hydroxylase deficiency; ADRENAL HYPERPLASIA, CONGENITAL, DUE TO STEROID 11-BETA-HYDROXYLASE DEFICIENCY; 11-BETA-HYDROXYLASE DEFICIENCY; P450C11B1 DEFICIENCY; STEROID 11-BETA-HYDROXYLASE DEFICIENCY; ADRENAL HYPERPLASIA IV. Identifiers: Orphanet 90795, MedGen C0268292, MONDO:0008729, OMIM 202010. Disease mechanism: loss of function.

Allele frequency attached by ClinVar (database versions not stated): ESP Exome Variant Server 0.48447; TOPMed 0.50265; gnomAD exomes 0.54949; 1000 Genomes Project 30x 0.55903; 1000 Genomes Project 0.56370.
gnomAD v4.1: 880,930 of 1,612,492 alleles (55%); highest among the groups gnomAD compares: East Asian, 77%; 244,449 homozygotes.

Submissions (11):

Labcorp Genetics (formerly Invitae), Labcorp
Classification: Benign. Last evaluated: 2026-02-04. Review status: criteria provided, single submitter. Criteria: Invitae Variant Classification Sherloc (09022015). Collection method: clinical testing. Allele origin: germline.

Women's Health and Genetics/Laboratory Corporation of America, LabCorp
Classification: Benign. Last evaluated: 2025-02-08. Review status: criteria provided, single submitter. Criteria: LabCorp Variant Classification Summary - May 2015. Collection method: clinical testing. Allele origin: germline.

Blueprint Genetics
Classification: Benign. Last evaluated: 2024-11-27. Review status: criteria provided, single submitter. Criteria: ACMG Guidelines, 2015. Collection method: clinical testing. Allele origin: germline.

Genome-Nilou Lab
Classification: Benign for Deficiency of steroid 11-beta-monooxygenase. Last evaluated: 2021-07-30. Review status: criteria provided, single submitter. Criteria: ACMG Guidelines, 2015. Collection method: clinical testing. Allele origin: germline. Affected: no.

Department of Human Genetics, Laborarztpraxis Dres. Walther, Weindel und Kollegen
Classification: Benign for Deficiency of steroid 11-beta-monooxygenase. Last evaluated: 2020-04-20. Review status: criteria provided, single submitter. Criteria: ACMG Guidelines, 2015. Collection method: clinical testing. Allele origin: germline. Affected: yes.
Comment: This variant is classified as benign because the population frequency is too high to be a pathogenic mutation (>= 5%).

GeneDx
Classification: Benign. Last evaluated: 2019-11-25. Review status: criteria provided, single submitter. Criteria: GeneDx Variant Classification Process June 2021. Collection method: clinical testing. Allele origin: germline. Affected: yes.
Comment: This variant is associated with the following publications: (PMID: 23291679)

Illumina Laboratory Services, Illumina
Classification: Benign for Glucocorticoid-remediable aldosteronism. Last evaluated: 2018-01-12. Review status: criteria provided, single submitter. Criteria: ICSL Variant Classification Criteria 13 December 2019. Collection method: clinical testing. Allele origin: germline.
Comment: This variant was observed in the ICSL laboratory as part of a predisposition screen in an ostensibly healthy population. It had not been previously curated by ICSL or reported in the Human Gene Mutation Database (HGMD: prior to June 1st, 2018), and was therefore a candidate for classification through an automated scoring system. Utilizing variant allele frequency, disease prevalence and penetrance estimates, and inheritance mode, an automated score was calculated to assess if this variant is too frequent to cause the disease. Based on the score and internal cut-off values, a variant classified as benign is not then subjected to further curation. The score for this variant resulted in a classification of benign for this disease.

Illumina Laboratory Services, Illumina
Classification: Benign for Deficiency of steroid 11-beta-monooxygenase. Last evaluated: 2018-01-12. Review status: criteria provided, single submitter. Criteria: ICSL Variant Classification Criteria 13 December 2019. Collection method: clinical testing. Allele origin: germline.
Comment: the same text as in the submission from Illumina Laboratory Services, Illumina above.

Breakthrough Genomics
Classification: Benign. Review status: criteria provided, single submitter. Criteria: ACMG Guidelines, 2015. Collection method: not provided. Allele origin: germline. Inheritance: Autosomal recessive inheritance. Affected: yes.

Diagnostic Laboratory, Department of Genetics, University Medical Center Groningen
Classification: Benign. Review status: no assertion criteria provided. Collection method: clinical testing. Allele origin: germline. Affected: yes. Study: VKGL Data-share Consensus. Not counted in ClinVar's aggregate classification.

Joint Genome Diagnostic Labs from Nijmegen and Maastricht, Radboudumc and MUMC+
Classification: Benign. Review status: no assertion criteria provided. Collection method: clinical testing. Allele origin: germline. Affected: yes. Study: VKGL Data-share Consensus. Not counted in ClinVar's aggregate classification.

Literature cited by the submitters: PubMed 15062555 (cited by Women's Health and Genetics/Laboratory Corporation of America, LabCorp); PubMed 9759478 (cited by Women's Health and Genetics/Laboratory Corporation of America, LabCorp); PubMed 16984984 (cited by Women's Health and Genetics/Laboratory Corporation of America, LabCorp); PubMed 17296872 (cited by Women's Health and Genetics/Laboratory Corporation of America, LabCorp).

NM_000497.4(CYP11B1):c.595+12G>A

Genes: CYP11B1 (cytochrome P450 family 11 subfamily B member 1; minus strand), LOC106799833 (CYP11B1 recombination region; plus strand). Cytogenetic location: 8q24.3.
Variant type: single nucleotide variant.
Coding change: c.595+12G>A on transcript NM_000497.4 (MANE Select); 12 bases into the intron after coding-DNA position 595, G replaced by A.
Molecular consequence: intron variant.
Genome position (GRCh38, 1-based): chr8:142,877,011, C>T on the plus strand (G>A on the coding strand, the complement: CYP11B1 is on the minus strand). VCF-style: chr8-142877011-C-T. GRCh37 (hg19) VCF-style: chr8-143958427-C-T.
Other names: c.595+12G>A (NM_001026213.1).
Identifiers: ClinVar variation 362164 (VCV000362164.30), dbSNP rs6387, ClinGen allele CA4905393.